The following is an entry in ClinVar:

NM_000426.4(LAMA2):c.3318_3319del (p.Cys1106_Asp1107delinsTer)

Gene: LAMA2 (laminin subunit alpha 2; plus strand). Cytogenetic location: 6q22.33.
Variant type: Microsatellite.
Coding change: c.3318_3319del on transcript NM_000426.4 (MANE Select); coding-DNA positions 3318 to 3319, 2 bases deleted (TG; older notation c.3318_3319delTG).
Protein change: p.Cys1106_Asp1107delinsTer.
Molecular consequence: nonsense.
Genome position (GRCh38, 1-based): chr6:129,313,004-129,313,005, TG deleted; deleting any 2 consecutive bases within chr6:129,313,002-129,313,005 gives the same sequence; the c. name uses the placement nearest the transcript's 3' end. VCF-style (leftmost placement, unchanged base first): chr6-129313001-CTG-C. GRCh37 (hg19) VCF-style: chr6-129634146-CTG-C.
Other names: c.3318_3319del, p.Cys1106_Asp1107delinsTer (NM_001079823.2).
Identifiers: ClinVar variation 2121803 (VCV002121803.4), dbSNP rs2482399889, ClinGen allele CA2580615763.
Genomic context (GRCh38, chr6:129,313,001, plus strand): 5'-CTCTGGTGCAAAATGTACAGAGTGCAGTCGAGGTCACTGGAACTACCCTCGCTGCAATCT[CTG>C]TGACTGCTTCCTCCCTGGGACAGATGCCACAACCTGTGATTCAGAGACTAAAAAATGCTC-3'

ClinVar aggregate classification (germline): Pathogenic (1 of 4 stars; one submission).

Conditions:
LAMA2-related muscular dystrophy (LAMA2-RD). Also called: Laminin alpha 2-related dystrophy. Identifiers: MedGen C5679788, MONDO:0100228.

Submission:

Labcorp Genetics (formerly Invitae), Labcorp
Classification: Pathogenic for LAMA2-related muscular dystrophy. Last evaluated: 2022-04-05. Review status: criteria provided, single submitter. Criteria: Invitae Variant Classification Sherloc (09022015). Collection method: clinical testing. Allele origin: germline.
Comment: This variant is not present in population databases (gnomAD no frequency). This sequence change creates a premature translational stop signal (p.Cys1106*) in the LAMA2 gene. It is expected to result in an absent or disrupted protein product. Loss-of-function variants in LAMA2 are known to be pathogenic (PMID: 18700894, 32904964). This variant has not been reported in the literature in individuals affected with LAMA2-related conditions. For these reasons, this variant has been classified as Pathogenic.

Literature cited by the submitters: PubMed 18700894; PubMed 32904964.